The following is an entry in ClinVar:

ClinVar aggregate classification (germline): Pathogenic (1 of 4 stars; one submission).

Conditions:
Duchenne muscular dystrophy (DMD). Also called: MUSCULAR DYSTROPHY, PSEUDOHYPERTROPHIC PROGRESSIVE, DUCHENNE TYPE; Duchenne Muscular Dystrophy (DMD). Identifiers: Orphanet 98896, MedGen C0013264, MONDO:0010679, OMIM 310200.

Submission:

Labcorp Genetics (formerly Invitae), Labcorp
Classification: Pathogenic for Duchenne muscular dystrophy. Last evaluated: 2020-09-21. Review status: criteria provided, single submitter. Criteria: Invitae Variant Classification Sherloc (09022015). Collection method: clinical testing. Allele origin: germline.
Comment: For these reasons, this variant has been classified as Pathogenic. Loss-of-function variants in DMD are known to be pathogenic (PMID: 16770791, 25007885). This variant has not been reported in the literature in individuals with DMD-related conditions. This variant is not present in population databases (ExAC no frequency). This sequence change creates a premature translational stop signal (p.Gln2952Serfs*33) in the DMD gene. It is expected to result in an absent or disrupted protein product.

Literature cited by the submitters: PubMed 16770791; PubMed 25007885.

NM_004006.3(DMD):c.8853_8865del (p.Gln2952fs)

Gene: DMD (dystrophin; minus strand). Cytogenetic location: Xp21.2.
Variant type: Deletion.
Coding change: c.8853_8865del on transcript NM_004006.3 (MANE Select); coding-DNA positions 8853 to 8865, 13 bases deleted (CCAAGCTGAGGTG).
Protein change: p.Gln2952fs; shifts the reading frame from glutamine 2952.
Molecular consequence: frameshift variant.
Genome position (GRCh38, 1-based): chrX:31,478,178-31,478,190, CACCTCAGCTTGG deleted on the plus strand (CCAAGCTGAGGTG on the coding strand, the reverse complement: DMD is on the minus strand); deleting any 13 consecutive bases within chrX:31,478,178-31,478,191 gives the same sequence; the c. name uses the placement nearest the transcript's 3' end. VCF-style (leftmost placement, unchanged base first): chrX-31478177-TCACCTCAGCTTGG-T. GRCh37 (hg19) VCF-style: chrX-31496294-TCACCTCAGCTTGG-T.
Other names: c.8829_8841del, p.Gln2944fs (NM_000109.4); c.8841_8853del, p.Gln2948fs (NM_004009.3); c.8484_8496del, p.Gln2829fs (NM_004010.3); c.4830_4842del, p.Gln1611fs (NM_004011.4); c.4821_4833del, p.Gln1608fs (NM_004012.4); c.1473_1485del, p.Gln492fs (NM_004013.3, NM_004020.4, NM_004021.3 and 2 more transcripts); c.666_678del, p.Gln223fs (NM_004014.3); short protein forms Q1608fs, Q1611fs, Q223fs, Q2829fs, Q2944fs, Q2948fs, Q2952fs, Q492fs.
Identifiers: ClinVar variation 1069989 (VCV001069989.7), dbSNP rs2149252891, ClinGen allele CA2499226625.
Genomic context (GRCh38, chrX:31,478,177, plus strand): 5'-CGAGGTGATCTTGGAGAGAGTCAATGAGGAGATCGCCCACGGGCTGCCAGGATCCCTTGA[TCACCTCAGCTTGG>T]CGCAGCTTGAGGTCCAGCTCATCCGTGGCCTCTTGAAGTTCCCGGAGTCTTTCAAGGGTC-3'